The following is an entry in ClinVar:

NM_058216.3(RAD51C):c.744T>C (p.Phe248=)

Gene: RAD51C (RAD51 paralog C; plus strand). Cytogenetic location: 17q22.
Variant type: single nucleotide variant.
Coding change: c.744T>C on transcript NM_058216.3 (MANE Select); coding-DNA position 744, T replaced by C.
Protein change: p.Phe248=; no amino-acid change (phenylalanine 248 retained).
Molecular consequence: synonymous variant. On other transcripts: non-coding transcript variant (1).
Genome position (GRCh38, 1-based): chr17:58,709,897, T>C. VCF-style: chr17-58709897-T-C. GRCh37 (hg19) VCF-style: chr17-56787258-T-C.
Identifiers: ClinVar variation 185363 (VCV000185363.25), dbSNP rs150142859, ClinGen allele CA191729.
Genomic context (GRCh38, chr17:58,709,897, plus strand): 5'-ATATTATCTCTTCTGTATTTAGGTTCGACTAGTGATAGTGGATGGTATTGCTTTTCCATT[T>C]CGTCATGACCTAGATGACCTGTCTCTTCGTACTCGGTTATTAAATGGCCTAGCCCAGCAA-3'
Protein context (NP_478123.1, residues 238-258): LVIVDGIAFP[Phe248=]RHDLDDLSLR

ClinVar aggregate classification (germline): Conflicting classifications of pathogenicity. Review status: criteria provided, conflicting classifications (1 of 4 stars). 10 submissions from 10 submitters: Uncertain significance (1); Benign (2); Likely benign (6). 1 of the submissions does not count toward it. Last evaluated 2026-02-03.

Conditions:
Breast-ovarian cancer, familial, susceptibility to, 3. Also called: RAD51C-Related Breast/Ovarian Cancer. Identifiers: Orphanet 145, MedGen C3150659, MONDO:0013253, OMIM 613399.
Fanconi anemia complementation group O. Also called: RAD51C-Related Fanconi Anemia. Identifiers: Orphanet 84, MedGen C3150653, MONDO:0013248, OMIM 613390.
Hereditary cancer-predisposing syndrome. Also called: Tumor predisposition; Hereditary Cancer Syndrome; Hereditary neoplastic syndrome; Neoplastic Syndromes, Hereditary. Identifiers: Orphanet 140162, MedGen C0027672, MeSH D009386, MONDO:0015356.
RAD51C-related disorder. Also called: RAD51C-related disorders; RAD51C-related condition.

Allele frequency attached by ClinVar (database versions not stated): gnomAD exomes 0.00001 and 0.00003; ExAC 0.00002; TOPMed 0.00009; gnomAD 0.00013 and 0.00016; ESP Exome Variant Server 0.00015.
gnomAD v4.1: 36 of 1,611,022 alleles (0.0022%); highest among the groups gnomAD compares: African/African-American, 0.048%; no homozygotes.

Submissions (10):

Labcorp Genetics (formerly Invitae), Labcorp
Classification: Likely benign for Fanconi anemia complementation group O. Last evaluated: 2026-02-03. Review status: criteria provided, single submitter. Criteria: Invitae Variant Classification Sherloc (09022015). Collection method: clinical testing. Allele origin: germline.

Myriad Genetics, Inc.
Classification: Benign for Breast-ovarian cancer, familial, susceptibility to, 3. Last evaluated: 2025-02-19. Review status: criteria provided, single submitter. Criteria: Myriad Autosomal Dominant, Autosomal Recessive and X-Linked Classification Criteria (2023). Collection method: clinical testing. Allele origin: unknown.
Comment: This variant is considered benign. This variant is a silent/synonymous amino acid change and it is not expected to impact splicing.

Department of Pathology and Laboratory Medicine, Sinai Health System
Classification: Likely benign for Fanconi anemia complementation group O; Breast-ovarian cancer, familial, susceptibility to, 3. Last evaluated: 2024-12-30. Review status: criteria provided, single submitter. Criteria: ACMG Guidelines, 2015. Collection method: clinical testing. Allele origin: germline.

Quest Diagnostics Nichols Institute San Juan Capistrano
Classification: Likely benign. Last evaluated: 2023-07-18. Review status: criteria provided, single submitter. Criteria: Quest Diagnostics criteria. Collection method: clinical testing. Allele origin: unknown.

Sema4
Classification: Uncertain significance for Hereditary cancer-predisposing syndrome. Last evaluated: 2021-07-27. Review status: criteria provided, single submitter. Criteria: Sema4 Curation Guidelines. Collection method: curation. Allele origin: germline.
Comment: The RAD51C c.744T>C (p.F248=) variant has been reported in 1 individual with breast cancer (PMID 28864920). This variant was observed in 13/24972 chromosomes in the African/African American population, according to the Genome Aggregation Database (PMID: 32461654). This variant has been reported in ClinVar (Variation ID 185363). The nucleotide is conserved and in silico tools that suggest the impact of the variant on protein function and splicing is inconclusive, though these predictions have not been confirmed by functional studies. The overall evidence is insufficient to meet ACMG/AMP criteria for classifying it as benign or pathogenic. In summary, the clinical significance of this variant is currently uncertain.

Women's Health and Genetics/Laboratory Corporation of America, LabCorp
Classification: Benign. Last evaluated: 2018-07-10. Review status: criteria provided, single submitter. Criteria: LabCorp Variant Classification Summary - May 2015. Collection method: clinical testing. Allele origin: germline.
Comment: Variant summary: RAD51C c.744T>C alters a non-conserved nucleotide resulting in a synonymous change. 5/5 computational tools predict no significant impact on normal splicing. However, these predictions have yet to be confirmed by functional studies. The variant was found in the gnomAD database at an overall frequency of 0.0000433, but was observed exclusively in the African subpopulation at a frequency of 0.0005. This frequency within African control individuals is approximately 8-fold above the estimated maximal expected allele frequency for a pathogenic variant in RAD51C causing Hereditary Breast and Ovarian Cancer phenotype (6.3e-05), strongly suggesting that the variant is a benign polymorphism found primarily in populations of African origin. c.744T>C has been reported in the literature in one individual affected with Hereditary Breast and Ovarian Cancer. However, this report does not provide strong evidence for pathogenicity. To our knowledge, no experimental evidence demonstrating an impact on protein function has been reported. Three clinical diagnostic laboratories have submitted clinical-significance assessments for this variant to ClinVar after 2014 and all classified the variant as likely benign. Based on the evidence outlined above, the variant was classified as benign.

GeneDx
Classification: Likely benign. Last evaluated: 2017-05-24. Review status: criteria provided, single submitter. Criteria: GeneDx Variant Classification (06012015). Collection method: clinical testing. Allele origin: germline. Affected: yes.
Comment: This variant is considered likely benign or benign based on one or more of the following criteria: it is a conservative change, it occurs at a poorly conserved position in the protein, it is predicted to be benign by multiple in silico algorithms, and/or has population frequency not consistent with disease.

Color Diagnostics, LLC DBA Color Health
Classification: Likely benign for Hereditary cancer-predisposing syndrome. Last evaluated: 2015-12-09. Review status: criteria provided, single submitter. Criteria: ACMG Guidelines, 2015. Collection method: clinical testing. Allele origin: germline.

Ambry Genetics
Classification: Likely benign for Hereditary cancer-predisposing syndrome. Last evaluated: 2014-12-24. Review status: criteria provided, single submitter. Criteria: Ambry Variant Classification Scheme 2023. Collection method: clinical testing. Allele origin: germline.

PreventionGenetics, part of Exact Sciences
Classification: Likely benign for RAD51C-related condition. Last evaluated: 2019-06-04. Review status: no assertion criteria provided. Collection method: clinical testing. Allele origin: germline. Not counted in ClinVar's aggregate classification.
Comment: This variant is classified as likely benign based on ACMG/AMP sequence variant interpretation guidelines (Richards et al. 2015 PMID: 25741868, with internal and published modifications).

Literature cited by the submitters: PubMed 28864920 (cited by 4 submitters).